The following is an entry in ClinVar:

ClinVar aggregate classification (germline): Likely benign. Review status: criteria provided, multiple submitters, no conflicts (2 of 4 stars). 2 submissions from 2 submitters: Likely benign (2). Last evaluated 2025-05-06.

Conditions:
Inborn genetic diseases. Identifiers: MedGen C0950123, MeSH D030342.

gnomAD v4.1: 323 of 1,591,288 alleles (0.02%); highest among the groups gnomAD compares: Non-Finnish European, 0.025%; no homozygotes.

Submissions (2):

Ambry Genetics
Classification: Likely benign for Inborn genetic diseases. Last evaluated: 2025-05-06. Review status: criteria provided, single submitter. Criteria: Ambry Variant Classification Scheme 2023. Collection method: clinical testing. Allele origin: germline.

CeGaT Center for Human Genetics Tuebingen
Classification: Likely benign. Last evaluated: 2025-03-01. Review status: criteria provided, single submitter. Criteria: CeGaT Center For Human Genetics Tuebingen Variant Classification Criteria Version 2. Collection method: clinical testing. Allele origin: germline. Affected: yes. Observed: 1 variant allele.
Comment: DPYD: BP4, BP7

NM_000110.4(DPYD):c.807C>T (p.Ser269=)

Gene: DPYD (dihydropyrimidine dehydrogenase; minus strand). Cytogenetic location: 1p21.3.
Variant type: single nucleotide variant.
Coding change: c.807C>T on transcript NM_000110.4 (MANE Select); coding-DNA position 807, C replaced by T.
Protein change: p.Ser269=; no amino-acid change (serine 269 retained).
Molecular consequence: synonymous variant.
Genome position (GRCh38, 1-based): chr1:97,679,138, G>A on the plus strand (C>T on the coding strand, the complement: DPYD is on the minus strand). VCF-style: chr1-97679138-G-A. GRCh37 (hg19) VCF-style: chr1-98144694-G-A.
Identifiers: ClinVar variation 3777998 (VCV003777998.8).